The following is an entry in ClinVar:

NM_001042492.3(NF1):c.1260+6T>C

Gene: NF1 (neurofibromin 1; plus strand). Cytogenetic location: 17q11.2.
Variant type: single nucleotide variant.
Coding change: c.1260+6T>C on transcript NM_001042492.3 (MANE Select); 6 bases into the intron after coding-DNA position 1260, T replaced by C.
Molecular consequence: intron variant.
Genome position (GRCh38, 1-based): chr17:31,201,491, T>C. VCF-style: chr17-31201491-T-C. GRCh37 (hg19) VCF-style: chr17-29528509-T-C.
Other names: c.1260+6T>C (NM_000267.4, NM_001128147.3).
Identifiers: ClinVar variation 547586 (VCV000547586.6), dbSNP rs1555611111, ClinGen allele CA658825051.
Genomic context (GRCh38, chr17:31,201,491, plus strand): 5'-ACCTTCTACATTTCACTATGTGCTGGTAAATTCACTCCATCGAATCATCACCAATGTAAG[T>C]CCAAAAGGTATTGCTAAATTACTAAAAAAATTTTTTTCTTTCTTTTCTTTGCGTATTTCT-3'

ClinVar aggregate classification (germline): Conflicting classifications of pathogenicity. Review status: criteria provided, conflicting classifications (1 of 4 stars). 4 submissions from 4 submitters: Likely pathogenic (1); Uncertain significance (3). Last evaluated 2025-09-25.

Conditions:
Neurofibromatosis, type 1 (NF1). Also called: NEUROFIBROMATOSIS, TYPE I, SOMATIC; VON RECKLINGHAUSEN DISEASE; Peripheral type neurofibromatosis; Neurofibromatosis, type I. Identifiers: Orphanet 636, MedGen C0027831, MONDO:0018975, OMIM 162200. Disease mechanism: loss of function.

Submissions (4):

NHS Central & South Genomic Laboratory Hub
Classification: Likely pathogenic for Neurofibromatosis type 1. Last evaluated: 2025-09-25. Review status: criteria provided, single submitter. Criteria: ACMG Guidelines, 2015. Collection method: clinical testing. Allele origin: germline. Affected: yes.

GeneDx
Classification: Uncertain significance. Last evaluated: 2023-12-07. Review status: criteria provided, single submitter. Criteria: GeneDx Variant Classification Process June 2021. Collection method: clinical testing. Allele origin: germline. Affected: yes.
Comment: Not observed at significant frequency in large population cohorts (gnomAD); In silico analysis is inconclusive as to whether the variant alters gene splicing. In the absence of RNA/functional studies, the actual effect of this sequence change is unknown.; Has not been previously published as pathogenic or benign to our knowledge

Labcorp Genetics (formerly Invitae), Labcorp
Classification: Uncertain significance for Neurofibromatosis, type 1. Last evaluated: 2022-11-26. Review status: criteria provided, single submitter. Criteria: Invitae Variant Classification Sherloc (09022015). Collection method: clinical testing. Allele origin: germline.
Comment: This sequence change falls in intron 11 of the NF1 gene. It does not directly change the encoded amino acid sequence of the NF1 protein. It affects a nucleotide within the consensus splice site. This variant is not present in population databases (gnomAD no frequency). This variant has not been reported in the literature in individuals affected with NF1-related conditions. ClinVar contains an entry for this variant (Variation ID: 547586). Variants that disrupt the consensus splice site are a relatively common cause of aberrant splicing (PMID: 17576681, 9536098). Algorithms developed to predict the effect of sequence changes on RNA splicing suggest that this variant may disrupt the consensus splice site. In summary, the available evidence is currently insufficient to determine the role of this variant in disease. Therefore, it has been classified as a Variant of Uncertain Significance.

Center for Human Genetics, Inc
Classification: Uncertain significance for Neurofibromatosis, type 1. Last evaluated: 2016-11-01. Review status: criteria provided, single submitter. Criteria: ACMG Guidelines, 2015. Collection method: clinical testing. Allele origin: germline. Affected: yes.

Literature cited by the submitters: PubMed 17576681 (cited by Labcorp Genetics (formerly Invitae), Labcorp); PubMed 9536098 (cited by Labcorp Genetics (formerly Invitae), Labcorp).